The following is an entry in ClinVar:

NM_000038.6(APC):c.6136G>A (p.Ala2046Thr)

Gene: APC (APC regulator of Wnt signaling pathway; plus strand). Cytogenetic location: 5q22.2.
Variant type: single nucleotide variant.
Coding change: c.6136G>A on transcript NM_000038.6 (MANE Select); coding-DNA position 6136, G replaced by A.
Protein change: p.Ala2046Thr; replaces alanine 2046 with threonine.
Molecular consequence: missense variant.
Genome position (GRCh38, 1-based): chr5:112,841,730, G>A. VCF-style: chr5-112841730-G-A. GRCh37 (hg19) VCF-style: chr5-112177427-G-A.
Other names: c.6136G>A, p.Ala2046Thr (NM_001127510.3, NM_001354895.2); c.6082G>A, p.Ala2028Thr (NM_001127511.3); c.6190G>A, p.Ala2064Thr (NM_001354896.2); c.6166G>A, p.Ala2056Thr (NM_001354897.2); c.6061G>A, p.Ala2021Thr (NM_001354898.2); c.6052G>A, p.Ala2018Thr (NM_001354899.2); c.6013G>A, p.Ala2005Thr (NM_001354900.2); c.5959G>A, p.Ala1987Thr (NM_001354901.2); and 5 more; short protein forms A2028T, A2046T, A1987T, A2005T, A1886T, A1945T, A1763T, A2021T.
Identifiers: ClinVar variation 185089 (VCV000185089.35), dbSNP rs770406711, ClinGen allele CA010972.
Genomic context (GRCh38, chr5:112,841,730, plus strand): 5'-TCTCTCAGTTCTCTTAGTATTGACTCTGAAGATGACCTGTTGCAGGAATGTATAAGCTCC[G>A]CAATGCCAAAAAAGAAAAAGCCTTCAAGACTCAAGGGTGATAATGAAAAACATAGTCCCA-3'
Protein context (NP_000029.2, residues 2036-2056): DDLLQECISS[Ala2046Thr]MPKKKKPSRL

ClinVar aggregate classification (germline): Conflicting classifications of pathogenicity. Review status: criteria provided, conflicting classifications (1 of 4 stars). 12 submissions from 12 submitters: Uncertain significance (9); Likely benign (1). 2 of the submissions do not count toward it. Last evaluated 2025-10-27.

Conditions:
Classic or attenuated familial adenomatous polyposis. Identifiers: MedGen CN372698, MONDO:0021057.
APC-related disorder. Also called: APC-related condition.
Hereditary cancer-predisposing syndrome. Also called: Neoplastic Syndromes, Hereditary; Hereditary neoplastic syndrome; Tumor predisposition; Hereditary Cancer Syndrome. Identifiers: Orphanet 140162, MedGen C0027672, MeSH D009386, MONDO:0015356.
Familial adenomatous polyposis 1 (FAP1). Also called: POLYPOSIS, ADENOMATOUS INTESTINAL; FAMILIAL ADENOMATOUS POLYPOSIS 1, ATTENUATED. Identifiers: MedGen C2713442, MONDO:0021056, OMIM 175100. Disease mechanism: loss of function.

Allele frequency attached by ClinVar (database versions not stated): gnomAD exomes 0.00001; TOPMed 0.00001; ExAC 0.00002.
gnomAD v4.1: 13 of 1,613,660 alleles (0.00081%); highest among the groups gnomAD compares: East Asian, 0.0067%; no homozygotes.

Submissions (12):

Labcorp Genetics (formerly Invitae), Labcorp
Classification: Uncertain significance for Familial adenomatous polyposis 1. Last evaluated: 2025-10-27. Review status: criteria provided, single submitter. Criteria: Invitae Variant Classification Sherloc (09022015). Collection method: clinical testing. Allele origin: germline.
Comment: This sequence change replaces alanine, which is neutral and non-polar, with threonine, which is neutral and polar, at codon 2046 of the APC protein (p.Ala2046Thr). The frequency data for this variant in the population databases is considered unreliable, as metrics indicate poor data quality at this position in the gnomAD database. This missense change has been observed in individual(s) with colorectal cancer (PMID: 28195393). ClinVar contains an entry for this variant (Variation ID: 185089). Invitae Evidence Modeling of protein sequence and biophysical properties (such as structural, functional, and spatial information, amino acid conservation, physicochemical variation, residue mobility, and thermodynamic stability) has been performed for this missense variant. However, the output from this modeling did not meet the statistical confidence thresholds required to predict the impact of this variant on APC protein function. In summary, the available evidence is currently insufficient to determine the role of this variant in disease. Therefore, it has been classified as a Variant of Uncertain Significance.

Quest Diagnostics Nichols Institute San Juan Capistrano
Classification: Uncertain significance. Last evaluated: 2025-08-07. Review status: criteria provided, single submitter. Criteria: Quest Diagnostics criteria. Collection method: clinical testing. Allele origin: unknown.
Comment: The APC c.6136G>A (p.Ala2046Thr) variant has been reported in the published literature in individuals affected with colorectal cancer (PMID: 28195393 (2017)), breast cancer (PMID: 36672847 (2022)), and reported to be de novo in individuals with developmental delay and/or autism (PMID: 31785789 (2019), 33057194 (2020)). The frequency of this variant in the general population (Genome Aggregation Database) is uninformative in the assessment of its pathogenicity. Analysis of this variant using bioinformatics tools for the prediction of the effect of amino acid changes on protein structure and function yielded predictions that this variant is damaging. Based on the available information, we are unable to determine the clinical significance of this variant.

Dasa
Classification: Uncertain significance. Last evaluated: 2025-07-15. Review status: criteria provided, single submitter. Criteria: DASA Assertion Criteria. Collection method: clinical testing. Allele origin: germline.
Comment: NM_000038.6(APC):c.6136G>A (p.Ala2046Thr) is a missense variant that results in the substitution of alanine with threonine. This variant is rare in population databases. The currently available literature and clinical evidence are not sufficient to establish a definitive association between this variant and the reported condition. Therefore, this variant is classified as a variant of uncertain significance.

Ambry Genetics
Classification: Uncertain significance for Hereditary cancer-predisposing syndrome. Last evaluated: 2025-06-05. Review status: criteria provided, single submitter. Criteria: Ambry Variant Classification Scheme 2023. Collection method: clinical testing. Allele origin: germline.
Comment: The p.A2046T variant (also known as c.6136G>A), located in coding exon 15 of the APC gene, results from a G to A substitution at nucleotide position 6136. The alanine at codon 2046 is replaced by threonine, an amino acid with similar properties. One study detected this alteration in 1/274 familial colorectal cancer patients who underwent multigene panel testing (Hansen MF et al. Clin. Genet., 2017 Oct;92:405-414). This amino acid position is highly conserved in available vertebrate species. In addition, in silico predictors for this gene do not accurately predict pathogenicity. Based on the available evidence, the clinical significance of this variant remains unclear.

Color Diagnostics, LLC DBA Color Health
Classification: Likely benign for Hereditary cancer-predisposing syndrome. Last evaluated: 2025-03-11. Review status: criteria provided, single submitter. Criteria: ACMG Guidelines, 2015. Collection method: clinical testing. Allele origin: germline.

All of Us Research Program, National Institutes of Health
Classification: Uncertain significance for Classic or attenuated familial adenomatous polyposis. Last evaluated: 2023-10-23. Review status: criteria provided, single submitter. Criteria: ACMG Guidelines, 2015. Collection method: clinical testing. Allele origin: germline. Inheritance: Autosomal dominant inheritance. Observed: 2 variant alleles, 2 heterozygotes.
Comment: This missense variant replaces alanine with threonine at codon 2046 of the APC protein. Computational prediction suggests that this variant may have deleterious impact on protein structure and function (internally defined REVEL score threshold >= 0.7, PMID: 27666373). To our knowledge, functional studies have not been reported for this variant. This variant has been reported in an individual affected with colorectal cancer (PMID: 28195393). This variant has been identified in 2/250780 chromosomes in the general population by the Genome Aggregation Database (gnomAD). The available evidence is insufficient to determine the role of this variant in disease conclusively. Therefore, this variant is classified as a Variant of Uncertain Significance.

This study involves interpretation of variants in research participants for the purpose of population health screening. Participant phenotype was not available at the time of variant classification. Additional details can be found in publication PMID: 35346344, PMCID: PMC8962531

Baylor Genetics
Classification: Uncertain significance for Familial adenomatous polyposis 1. Last evaluated: 2023-07-21. Review status: criteria provided, single submitter. Criteria: ACMG Guidelines, 2015. Collection method: clinical testing. Allele origin: unknown.

Myriad Genetics, Inc.
Classification: Uncertain significance for Familial adenomatous polyposis 1. Last evaluated: 2023-02-16. Review status: criteria provided, single submitter. Criteria: Myriad Autosomal Dominant, Autosomal Recessive and X-Linked Classification Criteria (2023). Collection method: clinical testing. Allele origin: unknown.
Comment: This variant is classified as a variant of uncertain significance as there is insufficient evidence to determine its impact on protein function and/or cancer risk.

GeneDx
Classification: Uncertain significance. Last evaluated: 2019-06-28. Review status: criteria provided, single submitter. Criteria: GeneDx Variant Classification Process June 2021. Collection method: clinical testing. Allele origin: germline. Affected: yes.
Comment: Not observed at a significant frequency in large population cohorts (Lek et al., 2016); In silico analysis, which includes protein predictors and evolutionary conservation, supports a deleterious effect; This variant is associated with the following publications: (PMID: 28195393, 25545608)

Mendelics
Classification: Uncertain significance for Familial adenomatous polyposis 1. Last evaluated: 2019-05-28. Review status: criteria provided, single submitter. Criteria: Mendelics Assertion Criteria 2017. Collection method: clinical testing. Allele origin: unknown.

PreventionGenetics, part of Exact Sciences
Classification: Uncertain significance for APC-related condition. Last evaluated: 2024-04-09. Review status: no assertion criteria provided. Collection method: clinical testing. Allele origin: germline. Not counted in ClinVar's aggregate classification.
Comment: The APC c.6136G>A variant is predicted to result in the amino acid substitution p.Ala2046Thr. This variant has been reported in an individual with familial colorectal cancer (Hansen et al. 2017. PubMed ID: 28195393). This variant is reported in 0.0054% of alleles in individuals of East Asian descent in gnomAD and is interpreted as uncertain significance in ClinVar. At this time, the clinical significance of this variant is uncertain due to the absence of conclusive functional and genetic evidence.

Counsyl
Classification: Uncertain significance for Familial adenomatous polyposis 1. Last evaluated: 2016-03-29. Review status: no assertion criteria provided. Collection method: clinical testing. Allele origin: unknown. Not counted in ClinVar's aggregate classification.

Literature cited by the submitters: PubMed 28195393 (cited by 4 submitters); PubMed 25545608 (cited by Quest Diagnostics Nichols Institute San Juan Capistrano); PubMed 31785789 (cited by Quest Diagnostics Nichols Institute San Juan Capistrano); PubMed 33057194 (cited by Quest Diagnostics Nichols Institute San Juan Capistrano); PubMed 35982159 (cited by Quest Diagnostics Nichols Institute San Juan Capistrano); PubMed 36672847 (cited by Quest Diagnostics Nichols Institute San Juan Capistrano).